The following is an entry in ClinVar:

NM_016247.4(IMPG2):c.3481C>A (p.Pro1161Thr)

Gene: IMPG2 (interphotoreceptor matrix proteoglycan 2; minus strand). Cytogenetic location: 3q12.3.
Variant type: single nucleotide variant.
Coding change: c.3481C>A on transcript NM_016247.4 (MANE Select); coding-DNA position 3481, C replaced by A.
Protein change: p.Pro1161Thr; replaces proline 1161 with threonine.
Molecular consequence: missense variant.
Genome position (GRCh38, 1-based): chr3:101,229,532, G>T on the plus strand (C>A on the coding strand, the complement: IMPG2 is on the minus strand). VCF-style: chr3-101229532-G-T. GRCh37 (hg19) VCF-style: chr3-100948376-G-T.
Other names: c.3481C>A (NM_016247.3); short protein forms P1161T.
Identifiers: ClinVar variation 1039296 (VCV001039296.6), dbSNP rs367651705, ClinGen allele CA2518743.

ClinVar aggregate classification (germline): Uncertain significance. Review status: criteria provided, multiple submitters, no conflicts (2 of 4 stars). 3 submissions from 3 submitters: Uncertain significance (2). 1 of the submissions does not count toward it. Last evaluated 2024-11-07.

Conditions:
IMPG2-related disorder. Also called: IMPG2-related condition.

Allele frequency attached by ClinVar (database versions not stated): ExAC 0.00003; gnomAD 0.00004; gnomAD exomes 0.00004 and 0.00005; TOPMed 0.00004; ESP Exome Variant Server 0.00008.
gnomAD v4.1: 83 of 1,613,874 alleles (0.0051%); highest among the groups gnomAD compares: Non-Finnish European, 0.0067%; no homozygotes.

Submissions (3):

Blueprint Genetics
Classification: Uncertain significance. Last evaluated: 2024-11-07. Review status: criteria provided, single submitter. Criteria: ACMG Guidelines, 2015. Collection method: clinical testing. Allele origin: germline.

Labcorp Genetics (formerly Invitae), Labcorp
Classification: Uncertain significance. Last evaluated: 2022-10-13. Review status: criteria provided, single submitter. Criteria: Invitae Variant Classification Sherloc (09022015). Collection method: clinical testing. Allele origin: germline.
Comment: This sequence change replaces proline, which is neutral and non-polar, with threonine, which is neutral and polar, at codon 1161 of the IMPG2 protein (p.Pro1161Thr). This variant is present in population databases (rs367651705, gnomAD 0.009%). This variant has not been reported in the literature in individuals affected with IMPG2-related conditions. ClinVar contains an entry for this variant (Variation ID: 1039296). Advanced modeling of protein sequence and biophysical properties (such as structural, functional, and spatial information, amino acid conservation, physicochemical variation, residue mobility, and thermodynamic stability) performed at Invitae indicates that this missense variant is expected to disrupt IMPG2 protein function. In summary, the available evidence is currently insufficient to determine the role of this variant in disease. Therefore, it has been classified as a Variant of Uncertain Significance.

PreventionGenetics, part of Exact Sciences
Classification: Uncertain significance for IMPG2-related condition. Last evaluated: 2024-06-26. Review status: no assertion criteria provided. Collection method: clinical testing. Allele origin: germline. Not counted in ClinVar's aggregate classification.
Comment: The IMPG2 c.3481C>A variant is predicted to result in the amino acid substitution p.Pro1161Thr. To our knowledge, this variant has not been reported in the literature. This variant is reported in 0.0085% of alleles in individuals of European (Non-Finnish) descent in gnomAD. At this time, the clinical significance of this variant is uncertain due to the absence of conclusive functional and genetic evidence.